The following is an entry in ClinVar:

ClinVar aggregate classification (germline): Conflicting classifications of pathogenicity. Review status: criteria provided, conflicting classifications (1 of 4 stars). 2 submissions from 2 submitters: Likely pathogenic (1); Uncertain significance (1). Last evaluated 2025-12-16.

Conditions:
Autosomal recessive spinocerebellar ataxia 2. Also called: CEREBELLAR GRANULAR CELL HYPOPLASIA AND MENTAL RETARDATION, CONGENITAL; CEREBELLAR HYPOPLASIA, NONPROGRESSIVE NORMAN TYPE; CEREBELLOPARENCHYMAL DISORDER III; CPD III. Identifiers: Orphanet 1170, MedGen C1859298, MONDO:0008943, OMIM 213200.

Submissions (2):

Labcorp Genetics (formerly Invitae), Labcorp
Classification: Likely pathogenic. Last evaluated: 2025-12-16. Review status: criteria provided, single submitter. Criteria: Invitae Variant Classification Sherloc (09022015). Collection method: clinical testing. Allele origin: germline.
Comment: This sequence change affects an acceptor splice site in intron 7 of the PMPCA gene. It is expected to disrupt RNA splicing. Variants that disrupt the donor or acceptor splice site typically lead to a loss of protein function (PMID: 16199547), and loss-of-function variants in PMPCA are known to be pathogenic (PMID: 35885985). This variant is not present in population databases (gnomAD no frequency). This variant has not been reported in the literature in individuals affected with PMPCA-related conditions. ClinVar contains an entry for this variant (Variation ID: 2978278). Algorithms developed to predict the effect of sequence changes on RNA splicing suggest that this variant may disrupt the consensus splice site. In summary, the currently available evidence indicates that the variant is pathogenic, but additional data are needed to prove that conclusively. Therefore, this variant has been classified as Likely Pathogenic.

Laboratorio de Genetica e Diagnostico Molecular, Hospital Israelita Albert Einstein
Classification: Uncertain significance for Autosomal recessive spinocerebellar ataxia 2. Last evaluated: 2024-09-09. Review status: criteria provided, single submitter. Criteria: ACMG Guidelines, 2015. Collection method: clinical testing. Allele origin: germline. Affected: yes.
Comment: ACMG classification criteria: PVS1 strong, PM2 supporting

Literature cited by the submitters: PubMed 16199547 (cited by Labcorp Genetics (formerly Invitae), Labcorp); PubMed 35885985 (cited by Labcorp Genetics (formerly Invitae), Labcorp).

NM_015160.3(PMPCA):c.898-2A>G

Gene: PMPCA (peptidase, mitochondrial processing subunit alpha; plus strand). Cytogenetic location: 9q34.3.
Variant type: single nucleotide variant.
Coding change: c.898-2A>G on transcript NM_015160.3 (MANE Select); the canonical splice acceptor site of the intron before coding-DNA position 898, A replaced by G.
Molecular consequence: splice acceptor variant.
Genome position (GRCh38, 1-based): chr9:136,418,015, A>G. VCF-style: chr9-136418015-A-G. GRCh37 (hg19) VCF-style: chr9-139312467-A-G.
Other names: c.598-2A>G (NM_001282946.2); c.505-2A>G (NM_001282944.2).
Identifiers: ClinVar variation 2978278 (VCV002978278.4), dbSNP rs2538848286, ClinGen allele CA375555082.